The following is an entry in ClinVar:

ClinVar aggregate classification (germline): Uncertain significance. Review status: reviewed by expert panel (3 of 4 stars). 3 submissions from 3 submitters: Uncertain significance (1). 2 of the submissions do not count toward it. Last evaluated 2024-12-03.

Conditions:
Leigh syndrome (NULS). Also called: Leigh's syndrome; Leigh Disease; Subacute necrotizing encephalopathy; Necrotizing encephalopathy infantile subacute of Leigh; LEIGH SYNDROME, NUCLEAR; Leigh's necrotizing encephalopathy. Identifiers: Orphanet 506, MedGen C2931891, MONDO:0009723, OMIM 256000.
Cerebellar ataxia. Identifiers: Orphanet 102002, MedGen C0007758, MONDO:0000437.
Progressive spastic paraparesis. Identifiers: MedGen C0747251, HP:0007199.
Abnormal basal ganglia MRI signal intensity. Identifiers: MedGen C4022745, HP:0012751.
Gonadal dysgenesis. Identifiers: MedGen C0018051, MONDO:0001967, HP:0000133.
Mitochondrial disease. Also called: Mitochondrial disorder; Mitochondrial disorders. Identifiers: Orphanet 68380, MedGen C0751651, MeSH D028361, MONDO:0044970.

Submissions (3):

ClinGen Mitochondrial Disease Nuclear and Mitochondrial  Variant Curation Expert Panel, ClinGen
Classification: Uncertain significance for Mitochondrial disease. Last evaluated: 2024-12-03. Review status: reviewed by expert panel. Criteria: clingen mito disease acmg specifications v1-1. Collection method: curation. Allele origin: germline. Inheritance: Mitochondrial inheritance.
Comment: The m.9049G>A (p.Gly175Ter) variant in MT-ATP6 has been reported in one individual with primary mitochondrial disease to date, in a person with ataxia, peripheral neuropathy, and myopathy (PMID: 32652755). The variant was present at 21% heteroplasmy in blood. This variant results in a truncation of 23% of the protein (PVS1_strong). This variant is absent in the MITOMAP GenBank dataset, gnomAD v3.1.2, and the Helix dataset (PM2_supporting). There are no cybrids, single fiber studies, or other functional assays reported on this variant. In summary, this variant meets criteria to be classified as uncertain significance for primary mitochondrial disease inherited in a mitochondrial manner. This classification was approved by the NICHD/NINDS U24 ClinGen Mitochondrial Disease Variant Curation Expert Panel on December 3, 2024. Mitochondrial DNA-specific ACMG/AMP criteria applied (PMID: 32906214): PVS1_strong, PM2_supporting.

MGZ Medical Genetics Center
Classification: Likely pathogenic for Abnormal basal ganglia MRI signal intensity; Progressive spastic paraparesis; Ataxia; Gonadal dysgenesis. Last evaluated: 2019-12-09. Review status: criteria provided, single submitter. Criteria: ACMG Guidelines, 2015. Collection method: clinical testing. Allele origin: inherited. Affected: yes. Observed: 1 variant allele. Not counted in ClinVar's aggregate classification.

Wong Mito Lab, Molecular and Human Genetics, Baylor College of Medicine
Classification: Likely pathogenic for Leigh syndrome. Last evaluated: 2019-10-17. Review status: criteria provided, single submitter. Criteria: Modified ACMG Guidelines (Unpublished). Collection method: clinical testing. Allele origin: germline. Not counted in ClinVar's aggregate classification.
Comment: The NC_012920.1:m.9049G>A (YP_003024031.1:p.Gly175Ter) variant in MTATP6 gene is interpretated to be a Likely Pathogenic variant based on the modified ACMG guidelines (unpublished). This variant meets the following evidence codes: PS6, PP4, PP6, PP7

NC_012920.1(MT-ATP6):m.9049G>A

Gene: MT-ATP6 (mitochondrially encoded ATP synthase 6; plus strand).
Variant type: single nucleotide variant.
Genome position: chrM-9049-G-A.
Other names: (p.Gly175*).
Identifiers: ClinVar variation 693064 (VCV000693064.3), dbSNP rs1603222011, ClinGen allele CA414802017.
Genomic context (GRCh38, chrMT:9,049, plus strand): 5'-GCCCTGGCCGTACGCCTAACCGCTAACATTACTGCAGGCCACCTACTCATGCACCTAATT[G>A]GAAGCGCCACCCTAGCAATATCAACCATTAACCTTCCCTCTACACTTATCATCTTCACAA-3'